The following is an entry in ClinVar:

NM_007294.4(BRCA1):c.3860A>C (p.Glu1287Ala)

Genes: BRCA1 (BRCA1 DNA repair associated; minus strand), LOC126862571 (BRD4-independent group 4 enhancer GRCh37_chr17:41243136-41244335; plus strand). Cytogenetic location: 17q21.31.
Variant type: single nucleotide variant.
Coding change: c.3860A>C on transcript NM_007294.4 (MANE Select); coding-DNA position 3860, A replaced by C.
Protein change: p.Glu1287Ala; replaces glutamic acid 1287 with alanine.
Molecular consequence: missense variant. On other transcripts: intron variant (135).
Genome position (GRCh38, 1-based): chr17:43,091,671, T>G on the plus strand (A>C on the coding strand, the complement: BRCA1 is on the minus strand). VCF-style: chr17-43091671-T-G. GRCh37 (hg19) VCF-style: chr17-41243688-T-G.
Other names: c.3647A>C, p.Glu1216Ala (NM_001407571.1, NM_001407853.1, NM_001407894.1 and 9 more transcripts); c.3860A>C, p.Glu1287Ala (NM_001407581.1, NM_001407582.1, NM_001407583.1 and 30 more transcripts); c.3857A>C, p.Glu1286Ala (NM_001407587.1, NM_001407590.1, NM_001407591.1 and 22 more transcripts); c.3851A>C, p.Glu1284Ala (NM_001407646.1, NM_001407647.1); c.3737A>C, p.Glu1246Ala (NM_001407648.1, NM_001407664.1, NM_001407665.1 and 19 more transcripts); c.3734A>C, p.Glu1245Ala (NM_001407649.1, NM_001407670.1, NM_001407671.1 and 11 more transcripts); c.3782A>C, p.Glu1261Ala (NM_001407653.1, NM_001407654.1, NM_001407655.1 and 4 more transcripts); c.3779A>C, p.Glu1260Ala (NM_001407659.1, NM_001407660.1, NM_001407661.1 and 1 more transcripts); and 41 more; short protein forms E1199A, E1216A, E1219A, E1220A, E1240A, E1246A, E1260A, E1286A.
Identifiers: ClinVar variation 1735605 (VCV001735605.9), dbSNP rs2053510326, ClinGen allele CA10594242.

ClinVar aggregate classification (germline): Conflicting classifications of pathogenicity. Review status: criteria provided, conflicting classifications (1 of 4 stars). 3 submissions from 3 submitters: Uncertain significance (2); Likely benign (1). Last evaluated 2023-03-23.

Conditions:
Hereditary cancer-predisposing syndrome. Also called: Neoplastic Syndromes, Hereditary; Tumor predisposition; Hereditary Cancer Syndrome; Hereditary neoplastic syndrome. Identifiers: Orphanet 140162, MedGen C0027672, MeSH D009386, MONDO:0015356.
Hereditary breast ovarian cancer syndrome. Also called: Hereditary breast and ovarian cancer syndrome; Breast and ovarian cancer; Hereditary breast and/or ovarian cancer syndrome; Hereditary breast and ovarian cancer; BRCA1- and BRCA2-Associated Hereditary Breast and Ovarian Cancer; Hereditary breast and ovarian cancer syndrome (HBOC). Identifiers: Orphanet 145, MedGen C0677776, MeSH D061325, MONDO:0003582. Disease mechanism: loss of function.

Submissions (3):

University of Washington Department of Laboratory Medicine, University of Washington
Classification: Likely benign for Hereditary cancer-predisposing syndrome. Last evaluated: 2023-03-23. Review status: criteria provided, single submitter. Criteria: Dines et al. (Genet Med. 2020). Collection method: curation. Allele origin: germline.
Comment: Missense variant in a coldspot region where missense variants are very unlikely to be pathogenic (PMID:31911673).

BRCA1 coldspot (exon 11 using historical exon numbering). Reclassification based on statistical prior probability

Labcorp Genetics (formerly Invitae), Labcorp
Classification: Uncertain significance for Hereditary breast ovarian cancer syndrome. Last evaluated: 2022-02-03. Review status: criteria provided, single submitter. Criteria: Invitae Variant Classification Sherloc (09022015). Collection method: clinical testing. Allele origin: germline.
Comment: In summary, the available evidence is currently insufficient to determine the role of this variant in disease. Therefore, it has been classified as a Variant of Uncertain Significance. Advanced modeling of protein sequence and biophysical properties (such as structural, functional, and spatial information, amino acid conservation, physicochemical variation, residue mobility, and thermodynamic stability) performed at Invitae indicates that this missense variant is not expected to disrupt BRCA1 protein function. This variant has not been reported in the literature in individuals affected with BRCA1-related conditions. This variant is not present in population databases (gnomAD no frequency). This sequence change replaces glutamic acid, which is acidic and polar, with alanine, which is neutral and non-polar, at codon 1287 of the BRCA1 protein (p.Glu1287Ala).

Ambry Genetics
Classification: Uncertain significance for Hereditary cancer-predisposing syndrome. Last evaluated: 2020-10-16. Review status: criteria provided, single submitter. Criteria: Ambry Variant Classification Scheme 2023. Collection method: clinical testing. Allele origin: germline.
Comment: The p.E1287A variant (also known as c.3860A>C), located in coding exon 9 of the BRCA1 gene, results from an A to C substitution at nucleotide position 3860. The glutamic acid at codon 1287 is replaced by alanine, an amino acid with dissimilar properties. This amino acid position is not well conserved in available vertebrate species. In addition, the in silico prediction for this alteration is inconclusive. Since supporting evidence is limited at this time, the clinical significance of this alteration remains unclear.